The following is an entry in ClinVar:

NM_001267550.2(TTN):c.94372G>A (p.Glu31458Lys)

Genes: TTN (titin; minus strand), TTN-AS1 (TTN antisense RNA 1; plus strand). Cytogenetic location: 2q31.2.
Variant type: single nucleotide variant.
Coding change: c.94372G>A on transcript NM_001267550.2 (MANE Select); coding-DNA position 94372, G replaced by A.
Protein change: p.Glu31458Lys; replaces glutamic acid 31458 with lysine.
Molecular consequence: missense variant.
Genome position (GRCh38, 1-based): chr2:178,547,153, C>T on the plus strand (G>A on the coding strand, the complement: TTN is on the minus strand). VCF-style: chr2-178547153-C-T. GRCh37 (hg19) VCF-style: chr2-179411880-C-T.
Other names: c.89449G>A, p.Glu29817Lys (NM_001256850.1); c.67177G>A, p.Glu22393Lys (NM_003319.4); c.86668G>A, p.Glu28890Lys (NM_133378.4); c.67552G>A, p.Glu22518Lys (NM_133432.3); c.67753G>A, p.Glu22585Lys (NM_133437.4); short protein forms E22393K, E22518K, E22585K, E28890K, E29817K, E31458K.
Identifiers: ClinVar variation 4847119 (VCV004847119.1).

ClinVar aggregate classification (germline): Uncertain significance (1 of 4 stars; one submission).

gnomAD v4.1: 1 of 1,613,822 alleles (0.000062%); highest among the groups gnomAD compares: Non-Finnish European, 0.000085%; no homozygotes.

Submission:

Women's Health and Genetics/Laboratory Corporation of America, LabCorp
Classification: Uncertain significance. Last evaluated: 2026-03-18. Review status: criteria provided, single submitter. Criteria: LabCorp Variant Classification Summary - May 2015. Collection method: clinical testing. Allele origin: germline.
Comment: Variant summary: TTN c.86668G>A (p.Glu28890Lys) results in a conservative amino acid change in the encoded protein sequence. Algorithms developed to predict the effect of missense changes on protein structure and function are either unavailable or do not agree on the potential impact of this missense change. The variant was absent in 249026 control chromosomes. The available data on variant occurrences in the general population are insufficient to allow any conclusion about variant significance. To our knowledge, no occurrence of c.86668G>A in individuals affected with TTN-related conditions and no experimental evidence demonstrating its impact on protein function have been reported. No submitters have cited clinical-significance assessments for this variant to ClinVar. Based on the evidence outlined above, the variant was classified as uncertain significance.